The following is an entry in ClinVar:

ClinVar aggregate classification (germline): Likely benign. Review status: criteria provided, multiple submitters, no conflicts (2 of 4 stars). 3 submissions from 3 submitters: Likely benign (2). 1 of the submissions does not count toward it. Last evaluated 2025-09-02.

Conditions:
Combined oxidative phosphorylation defect type 27. Also called: Combined oxidative phosphorylation deficiency 27. Identifiers: Orphanet 477774, MedGen C5567608, MONDO:0014728, OMIM 616672.
CARS2-related disorder. Also called: CARS2-related condition.

Allele frequency attached by ClinVar (database versions not stated): TOPMed 0.00009; gnomAD exomes 0.00010 and 0.00024; gnomAD 0.00011 and 0.00013; ExAC 0.00013; 1000 Genomes Project 30x 0.00016; 1000 Genomes Project 0.00020.
gnomAD v4.1: 344 of 1,573,568 alleles (0.022%); highest among the groups gnomAD compares: Non-Finnish European, 0.028%; no homozygotes.

Submissions (3):

Labcorp Genetics (formerly Invitae), Labcorp
Classification: Likely benign for Combined oxidative phosphorylation defect type 27. Last evaluated: 2025-09-02. Review status: criteria provided, single submitter. Criteria: Invitae Variant Classification Sherloc (09022015). Collection method: clinical testing. Allele origin: germline.

Blueprint Genetics
Classification: Likely benign. Last evaluated: 2024-09-17. Review status: criteria provided, single submitter. Criteria: ACMG Guidelines, 2015. Collection method: clinical testing. Allele origin: germline.

PreventionGenetics, part of Exact Sciences
Classification: Likely benign for CARS2-related condition. Last evaluated: 2019-06-06. Review status: no assertion criteria provided. Collection method: clinical testing. Allele origin: germline. Not counted in ClinVar's aggregate classification.
Comment: This variant is classified as likely benign based on ACMG/AMP sequence variant interpretation guidelines (Richards et al. 2015 PMID: 25741868, with internal and published modifications).

NM_024537.4(CARS2):c.780C>T (p.Ile260=)

Gene: CARS2 (cysteinyl-tRNA synthetase 2, mitochondrial; minus strand). Cytogenetic location: 13q34.
Variant type: single nucleotide variant.
Coding change: c.780C>T on transcript NM_024537.4 (MANE Select); coding-DNA position 780, C replaced by T.
Protein change: p.Ile260=; no amino-acid change (isoleucine 260 retained).
Molecular consequence: synonymous variant. On other transcripts: 5 prime UTR variant (1), non-coding transcript variant (2).
Genome position (GRCh38, 1-based): chr13:110,676,979, G>A on the plus strand (C>T on the coding strand, the complement: CARS2 is on the minus strand). VCF-style: chr13-110676979-G-A. GRCh37 (hg19) VCF-style: chr13-111329326-G-A.
Other names: c.-7C>T (NM_001352252.2); c.780C>T, p.Ile260= (NM_001352253.3).
Identifiers: ClinVar variation 784903 (VCV000784903.14), dbSNP rs145315422, ClinGen allele CA7052083.